The following is an entry in ClinVar:

ClinVar aggregate classification (germline): Uncertain significance (1 of 4 stars; one submission).

Submission:

Labcorp Genetics (formerly Invitae), Labcorp
Classification: Uncertain significance. Last evaluated: 2024-11-22. Review status: criteria provided, single submitter. Criteria: Invitae Variant Classification Sherloc (09022015). Collection method: clinical testing. Allele origin: germline.
Comment: This sequence change falls in intron 1 of the NTHL1 gene. It does not directly change the encoded amino acid sequence of the NTHL1 protein. It affects a nucleotide within the consensus splice site. This variant is not present in population databases (gnomAD no frequency). This variant has not been reported in the literature in individuals affected with NTHL1-related conditions. ClinVar contains an entry for this variant (Variation ID: 946130). Variants that disrupt the consensus splice site are a relatively common cause of aberrant splicing (PMID: 17576681, 9536098). Algorithms developed to predict the effect of sequence changes on RNA splicing suggest that this variant is not likely to affect RNA splicing. In summary, the available evidence is currently insufficient to determine the role of this variant in disease. Therefore, it has been classified as a Variant of Uncertain Significance.

Literature cited by the submitters: PubMed 17576681; PubMed 9536098.

NM_002528.7(NTHL1):c.115+6G>C

Gene: NTHL1 (nth like DNA glycosylase 1; minus strand). Cytogenetic location: 16p13.3.
Variant type: single nucleotide variant.
Coding change: c.115+6G>C on transcript NM_002528.7 (MANE Select); 6 bases into the intron after coding-DNA position 115, G replaced by C.
Molecular consequence: intron variant.
Genome position (GRCh38, 1-based): chr16:2,047,703, C>G on the plus strand (G>C on the coding strand, the complement: NTHL1 is on the minus strand). VCF-style: chr16-2047703-C-G. GRCh37 (hg19) VCF-style: chr16-2097704-C-G.
Other names: c.-64+6G>C (NM_001318194.2); c.115+6G>C (NM_001318193.2).
Identifiers: ClinVar variation 946130 (VCV000946130.7), dbSNP rs1036098566, ClinGen allele CA1139664323.
Genomic context (GRCh38, chr16:2,047,703, plus strand): 5'-CCCGGGACTCCAGCCTGCAGCCCCTATCCCGCCTCCTCCCACGCTCCAGCCACGGCGCGG[C>G]GCTACCTGCTGCAGCCTCTCTTCTCCGGAGAGGCCCGGGCTCCTCCCTACACCCCCGCGG-3'